The following is an entry in ClinVar:

ClinVar aggregate classification (germline): Benign. Review status: criteria provided, single submitter (1 of 4 stars). 3 submissions from 3 submitters: Benign (1). 2 of the submissions do not count toward it. Last evaluated 2024-11-26.

Conditions:
Gastric cancer. Also called: Stomach cancer; Malignant tumor of stomach. Identifiers: MedGen C0024623, MeSH D013274, MONDO:0001056, OMIM 613659, HP:0012126.
EXO1-related disorder. Also called: EXO1-related condition.

Allele frequency attached by ClinVar (database versions not stated): ESP Exome Variant Server 0.16738; gnomAD exomes 0.17430; gnomAD 0.18935; ExAC 0.20356; TOPMed 0.20592; 1000 Genomes Project 30x 0.24828; 1000 Genomes Project 0.25160.
gnomAD v4.1: 283,685 of 1,612,938 alleles (18%); highest among the groups gnomAD compares: East Asian, 42%; 27,812 homozygotes.

Submissions (3):

Blueprint Genetics
Classification: Benign. Last evaluated: 2024-11-26. Review status: criteria provided, single submitter. Criteria: ACMG Guidelines, 2015. Collection method: clinical testing. Allele origin: germline.

Hdge Lab, Department of Biotechnology, Mizoram University
Classification: association for Gastric cancer. Last evaluated: 2026-03-26. Review status: no assertion criteria provided. Collection method: case-control. Allele origin: germline. Affected: yes. Observed: 54 variant alleles. Not counted in ClinVar's aggregate classification.
Comment: Variant identified in a case-control study of gastric cancer. Allele frequencies were compared between cases and controls. Increased effects were observed (OR=1.891, 95% CI=0.706–5.062), classified as "association" based on exploratory data.

PreventionGenetics, part of Exact Sciences
Classification: Benign for EXO1-related condition. Last evaluated: 2019-10-18. Review status: no assertion criteria provided. Collection method: clinical testing. Allele origin: germline. Not counted in ClinVar's aggregate classification.
Comment: This variant is classified as benign based on ACMG/AMP sequence variant interpretation guidelines (Richards et al. 2015 PMID: 25741868, with internal and published modifications).

NM_130398.4(EXO1):c.2270C>T (p.Pro757Leu)

Gene: EXO1 (exonuclease 1; plus strand). Cytogenetic location: 1q43.
Variant type: single nucleotide variant.
Coding change: c.2270C>T on transcript NM_130398.4 (MANE Select); coding-DNA position 2270, C replaced by T.
Protein change: p.Pro757Leu; replaces proline 757 with leucine.
Molecular consequence: missense variant.
Genome position (GRCh38, 1-based): chr1:241,885,372, C>T. VCF-style: chr1-241885372-C-T. GRCh37 (hg19) VCF-style: chr1-242048674-C-T.
Other names: c.2267C>T, p.Pro756Leu (NM_001319224.2); c.2270C>T, p.Pro757Leu (NM_003686.4, NM_006027.4); short protein forms P756L, P757L.
Identifiers: ClinVar variation 3060942 (VCV003060942.4), dbSNP rs9350, ClinGen allele CA1481578.